The following is an entry in ClinVar:

ClinVar aggregate classification (germline): Uncertain significance. Review status: criteria provided, multiple submitters, no conflicts (2 of 4 stars). 3 submissions from 3 submitters: Uncertain significance (2). 1 of the submissions does not count toward it. Last evaluated 2025-01-08.

Conditions:
Retinal dystrophy. Also called: Inherited retinal dystrophy. Identifiers: Orphanet 71862, MedGen C0854723, MeSH D058499, MONDO:0019118, HP:0000556.

Allele frequency attached by ClinVar (database versions not stated): gnomAD 0.00001; gnomAD exomes 0.00001 and 0.00003; TOPMed 0.00002; ExAC 0.00003.
gnomAD v4.1: 37 of 1,612,274 alleles (0.0023%); highest among the groups gnomAD compares: Non-Finnish European, 0.0031%; no homozygotes.

Submissions (3):

Ambry Genetics
Classification: Uncertain significance. Last evaluated: 2025-01-08. Review status: criteria provided, single submitter. Criteria: Ambry Variant Classification Scheme 2023. Collection method: clinical testing. Allele origin: germline.

Labcorp Genetics (formerly Invitae), Labcorp
Classification: Uncertain significance. Last evaluated: 2020-10-01. Review status: criteria provided, single submitter. Criteria: Invitae Variant Classification Sherloc (09022015). Collection method: clinical testing. Allele origin: germline.
Comment: In summary, the available evidence is currently insufficient to determine the role of this variant in disease. Therefore, it has been classified as a Variant of Uncertain Significance. Algorithms developed to predict the effect of missense changes on protein structure and function are either unavailable or do not agree on the potential impact of this missense change (SIFT: "Deleterious"; PolyPhen-2: "Probably Damaging"; Align-GVGD: "Class C0"). This variant has not been reported in the literature in individuals with SLC7A14-related conditions. This variant is present in population databases (rs756433410, ExAC 0.005%). This sequence change replaces aspartic acid with tyrosine at codon 764 of the SLC7A14 protein (p.Asp764Tyr). The aspartic acid residue is moderately conserved and there is a large physicochemical difference between aspartic acid and tyrosine.

Institute of Human Genetics, Univ. Regensburg, Univ. Regensburg
Classification: Uncertain significance for Retinal dystrophy. Last evaluated: 2023-01-01. Review status: no assertion criteria provided. Criteria: ACMG Guidelines, 2015. Collection method: clinical testing. Allele origin: germline. Affected: yes. Not counted in ClinVar's aggregate classification.

NM_020949.3(SLC7A14):c.2290G>T (p.Asp764Tyr)

Gene: SLC7A14 (solute carrier family 7 member 14; minus strand). Cytogenetic location: 3q26.2.
Variant type: single nucleotide variant.
Coding change: c.2290G>T on transcript NM_020949.3 (MANE Select); coding-DNA position 2290, G replaced by T.
Protein change: p.Asp764Tyr; replaces aspartic acid 764 with tyrosine.
Molecular consequence: missense variant.
Genome position (GRCh38, 1-based): chr3:170,467,081, C>A on the plus strand (G>T on the coding strand, the complement: SLC7A14 is on the minus strand). VCF-style: chr3-170467081-C-A. GRCh37 (hg19) VCF-style: chr3-170184869-C-A.
Other names: short protein forms D764Y.
Identifiers: ClinVar variation 853163 (VCV000853163.11), dbSNP rs756433410, ClinGen allele CA2701465.